The following is an entry in ClinVar:

ClinVar aggregate classification (germline): Uncertain significance (1 of 4 stars; one submission).

Conditions:
Ataxia-telangiectasia syndrome (AT). Also called: Ataxia-telangiectasia, complementation group D; AT, COMPLEMENTATION GROUP C; ATAXIA-TELANGIECTASIA, COMPLEMENTATION GROUP A; ATAXIA-TELANGIECTASIA, FRESNO VARIANT; Ataxia telangiectasia (A-T); Ataxia-telangiectasia. Identifiers: Orphanet 100, MedGen C0004135, MONDO:0008840, OMIM 208900.

Submission:

Labcorp Genetics (formerly Invitae), Labcorp
Classification: Uncertain significance for Ataxia-telangiectasia syndrome. Last evaluated: 2022-01-18. Review status: criteria provided, single submitter. Criteria: Invitae Variant Classification Sherloc (09022015). Collection method: clinical testing. Allele origin: germline.
Comment: Algorithms developed to predict the effect of sequence changes on RNA splicing suggest that this variant may create or strengthen a splice site. This sequence change replaces alanine, which is neutral and non-polar, with valine, which is neutral and non-polar, at codon 1211 of the ATM protein (p.Ala1211Val). This variant is not present in population databases (gnomAD no frequency). This variant has not been reported in the literature in individuals affected with ATM-related conditions. Advanced modeling of protein sequence and biophysical properties (such as structural, functional, and spatial information, amino acid conservation, physicochemical variation, residue mobility, and thermodynamic stability) performed at Invitae indicates that this missense variant is not expected to disrupt ATM protein function. In summary, the available evidence is currently insufficient to determine the role of this variant in disease. Therefore, it has been classified as a Variant of Uncertain Significance.

NM_000051.4(ATM):c.3632C>T (p.Ala1211Val)

Gene: ATM (ATM serine/threonine kinase; plus strand). Cytogenetic location: 11q22.3.
Variant type: single nucleotide variant.
Coding change: c.3632C>T on transcript NM_000051.4 (MANE Select); coding-DNA position 3632, C replaced by T.
Protein change: p.Ala1211Val; replaces alanine 1211 with valine.
Molecular consequence: missense variant.
Genome position (GRCh38, 1-based): chr11:108,282,765, C>T. VCF-style: chr11-108282765-C-T. GRCh37 (hg19) VCF-style: chr11-108153492-C-T.
Other names: c.3632C>T, p.Ala1211Val (NM_001351834.2); short protein forms A1211V.
Identifiers: ClinVar variation 2087627 (VCV002087627.4), dbSNP rs2135688281, ClinGen allele CA382522889.